The following is an entry in ClinVar:

ClinVar aggregate classification (germline): Uncertain significance. Review status: criteria provided, single submitter (1 of 4 stars). 2 submissions from 2 submitters: Uncertain significance (1). 1 of the submissions does not count toward it. Last evaluated 2021-09-24.

Conditions:
PCNT-related disorder. Also called: PCNT-related condition.

Allele frequency attached by ClinVar (database versions not stated): TOPMed 0.00002; gnomAD 0.00003; gnomAD exomes 0.00003; ExAC 0.00004.
gnomAD v4.1: 42 of 1,613,828 alleles (0.0026%); highest among the groups gnomAD compares: Non-Finnish European, 0.0031%; no homozygotes.

Submissions (2):

Labcorp Genetics (formerly Invitae), Labcorp
Classification: Uncertain significance. Last evaluated: 2021-09-24. Review status: criteria provided, single submitter. Criteria: Invitae Variant Classification Sherloc (09022015). Collection method: clinical testing. Allele origin: germline.
Comment: This sequence change replaces arginine with histidine at codon 2723 of the PCNT protein (p.Arg2723His). The arginine residue is weakly conserved and there is a small physicochemical difference between arginine and histidine. This variant is present in population databases (rs771623413, ExAC 0.006%). This variant has not been reported in the literature in individuals with PCNT-related conditions. Algorithms developed to predict the effect of missense changes on protein structure and function are either unavailable or do not agree on the potential impact of this missense change (SIFT: "Deleterious"; PolyPhen-2: "Possibly Damaging"; Align-GVGD: "Class C0"). In summary, the available evidence is currently insufficient to determine the role of this variant in disease. Therefore, it has been classified as a Variant of Uncertain Significance.

PreventionGenetics, part of Exact Sciences
Classification: Uncertain significance for PCNT-related condition. Last evaluated: 2024-02-09. Review status: no assertion criteria provided. Collection method: clinical testing. Allele origin: germline. Not counted in ClinVar's aggregate classification.
Comment: The PCNT c.8168G>A variant is predicted to result in the amino acid substitution p.Arg2723His. To our knowledge, this variant has not been reported in the literature. This variant is reported in 0.0047% of alleles in individuals of European (non-Finnish) descent in gnomAD. At this time, the clinical significance of this variant is uncertain due to the absence of conclusive functional and genetic evidence.

NM_006031.6(PCNT):c.8168G>A (p.Arg2723His)

Gene: PCNT (pericentrin; plus strand). Cytogenetic location: 21q22.3.
Variant type: single nucleotide variant.
Coding change: c.8168G>A on transcript NM_006031.6 (MANE Select); coding-DNA position 8168, G replaced by A.
Protein change: p.Arg2723His; replaces arginine 2723 with histidine.
Molecular consequence: missense variant.
Genome position (GRCh38, 1-based): chr21:46,431,632, G>A. VCF-style: chr21-46431632-G-A. GRCh37 (hg19) VCF-style: chr21-47851546-G-A.
Other names: c.7814G>A, p.Arg2605His (NM_001315529.2); c.8168G>A (NM_006031.5); short protein forms R2605H, R2723H.
Identifiers: ClinVar variation 2414611 (VCV002414611.4), dbSNP rs771623413, ClinGen allele CA10080908.
Genomic context (GRCh38, chr21:46,431,632, plus strand): 5'-GACTCTGCGTGGCACTGAAACACGAGCAGACGGCCAAGGACAACCTGCAGAAGGAGCTGC[G>A]TATCGAGCACTCACGCTGCGAGGCCTTGCTGGCTCAGGAGCGGAGCCAGCTCTCTGAGCT-3'
Protein context (NP_006022.3, residues 2713-2733): TAKDNLQKEL[Arg2723His]IEHSRCEALL